The following is an entry in ClinVar:

ClinVar aggregate classification (germline): Uncertain significance. Review status: criteria provided, multiple submitters, no conflicts (2 of 4 stars). 2 submissions from 2 submitters: Uncertain significance (2). Last evaluated 2026-10-02.

Allele frequency attached by ClinVar (database versions not stated): ExAC 0.00002; gnomAD exomes 0.00005 and 0.00002; ESP Exome Variant Server 0.00008; TOPMed 0.00003; gnomAD 0.00004.
gnomAD v4.1: 87 of 1,614,002 alleles (0.0054%); highest among the groups gnomAD compares: Non-Finnish European, 0.0066%; no homozygotes.

Submissions (2):

GeneDx
Classification: Uncertain significance. Last evaluated: 2026-10-02. Review status: criteria provided, single submitter. Criteria: GeneDx Variant Classification Process June 2021. Collection method: clinical testing. Allele origin: germline.
Comment: Not observed at significant frequency in large population cohorts (gnomAD); In silico analysis supports that this missense variant has a deleterious effect on protein structure/function; Has not been previously published as pathogenic or benign to our knowledge

Labcorp Genetics (formerly Invitae), Labcorp
Classification: Uncertain significance. Last evaluated: 2022-07-21. Review status: criteria provided, single submitter. Criteria: Invitae Variant Classification Sherloc (09022015). Collection method: clinical testing. Allele origin: germline.
Comment: This sequence change replaces histidine, which is basic and polar, with tyrosine, which is neutral and polar, at codon 239 of the TK2 protein (p.His239Tyr). This variant is present in population databases (rs370500055, gnomAD 0.004%). This variant has not been reported in the literature in individuals affected with TK2-related conditions. ClinVar contains an entry for this variant (Variation ID: 1426230). Algorithms developed to predict the effect of missense changes on protein structure and function (SIFT, PolyPhen-2, Align-GVGD) all suggest that this variant is likely to be tolerated. In summary, the available evidence is currently insufficient to determine the role of this variant in disease. Therefore, it has been classified as a Variant of Uncertain Significance.

NM_004614.5(TK2):c.715C>T (p.His239Tyr)

Gene: TK2 (thymidine kinase 2; minus strand). Cytogenetic location: 16q21.
Variant type: single nucleotide variant.
Coding change: c.715C>T on transcript NM_004614.5 (MANE Select); coding-DNA position 715, C replaced by T.
Protein change: p.His239Tyr; replaces histidine 239 with tyrosine.
Molecular consequence: missense variant. On other transcripts: 3 prime UTR variant (1), non-coding transcript variant (1).
Genome position (GRCh38, 1-based): chr16:66,512,051, G>A on the plus strand (C>T on the coding strand, the complement: TK2 is on the minus strand). VCF-style: chr16-66512051-G-A. GRCh37 (hg19) VCF-style: chr16-66545954-G-A.
Other names: c.622C>T, p.His208Tyr (NM_001172643.1); c.640C>T, p.His214Tyr (NM_001172644.2); c.661C>T, p.His221Tyr (NM_001172645.2); c.568C>T, p.His190Tyr (NM_001271934.2); c.*12C>T (NM_001271935.1); c.424C>T, p.His142Tyr (NM_001272050.2); c.715C>T (NM_004614.4); short protein forms H142Y, H221Y, H190Y, H208Y, H214Y, H239Y.
Identifiers: ClinVar variation 1426230 (VCV001426230.8), dbSNP rs370500055, ClinGen allele CA8093560.